The following is an entry in ClinVar:

NM_021939.4(FKBP10):c.385G>A (p.Gly129Ser)

Gene: FKBP10 (FKBP prolyl isomerase 10; plus strand). Cytogenetic location: 17q21.2.
Variant type: single nucleotide variant.
Coding change: c.385G>A on transcript NM_021939.4 (MANE Select); coding-DNA position 385, G replaced by A.
Protein change: p.Gly129Ser; replaces glycine 129 with serine.
Molecular consequence: missense variant.
Genome position (GRCh38, 1-based): chr17:41,817,197, G>A. VCF-style: chr17-41817197-G-A. GRCh37 (hg19) VCF-style: chr17-39973449-G-A.
Other names: short protein forms G129S.
Identifiers: ClinVar variation 1806077 (VCV001806077.2), dbSNP rs925937376, ClinGen allele CA290696555.

ClinVar aggregate classification (germline): Uncertain significance. Review status: criteria provided, multiple submitters, no conflicts (2 of 4 stars). 2 submissions from 2 submitters: Uncertain significance (2). Last evaluated 2021-05-06.

Conditions:
Osteogenesis imperfecta type 11. Also called: Osteogenesis imperfecta, type XI; OI, TYPE XI. Identifiers: Orphanet 666, MedGen C3151218, MONDO:0012592, OMIM 610968.

Allele frequency attached by ClinVar (database versions not stated): TOPMed below 0.00001; gnomAD exomes 0.00002.

Submissions (2):

Victorian Clinical Genetics Services, Murdoch Childrens Research Institute
Classification: Uncertain significance for Osteogenesis imperfecta type 11. Last evaluated: 2021-05-06. Review status: criteria provided, single submitter. Criteria: ACMG Guidelines, 2015. Collection method: clinical testing. Allele origin: germline. Inheritance: Autosomal recessive inheritance. Affected: yes.
Comment: Based on the classification scheme VCGS_Germline_v1.3.4, this variant is classified as 3B-VUS. Following criteria are met: 0102 - Loss of function is a known mechanism of disease in this gene and is associated with Osteogenesis imperfecta, type XI (MIM#610968). (I) 0106 - This gene is associated with autosomal recessive disease. (I) 0200 - Variant is predicted to result in a missense amino acid change from glycine to serine. (I) 0251 - This variant is heterozygous. (I) 0302 - Variant is present in gnomAD (v2) <0.001 for a dominant condition (1 heterozygote, 0 homozygote(s). (SP) 0502 - Missense variant with conflicting in silico predictions and uninformative conservation. (I) 0600 - Variant is located in the annotated FKBP_C domain (PDB, NCBI). (I) 0705 - No comparable missense variants have previous evidence for pathogenicity. (I) 0807 - This variant has no previous evidence of pathogenicity. (I) 0905 - No published segregation evidence has been identified for this variant. (I) 1007 - No published functional evidence has been identified for this variant. (I) 1208 - Inheritance information for this variant is not currently available in this individual. (I) Legend: (SP) - Supporting pathogenic, (I) - Information, (SB) - Supporting benign

Blueprint Genetics
Classification: Uncertain significance. Last evaluated: 2018-10-08. Review status: criteria provided, single submitter. Criteria: ACMG Guidelines, 2015. Collection method: clinical testing. Allele origin: germline.